The following is an entry in ClinVar:

NM_000091.5(COL4A3):c.4982G>C (p.Arg1661Pro)

Genes: COL4A3 (collagen type IV alpha 3 chain; plus strand), MFF-DT (MFF divergent transcript; minus strand). Cytogenetic location: 2q36.3.
Variant type: single nucleotide variant.
Coding change: c.4982G>C on transcript NM_000091.5 (MANE Select); coding-DNA position 4982, G replaced by C.
Protein change: p.Arg1661Pro; replaces arginine 1661 with proline.
Molecular consequence: missense variant.
Genome position (GRCh38, 1-based): chr2:227,311,839, G>C. VCF-style: chr2-227311839-G-C. GRCh37 (hg19) VCF-style: chr2-228176555-G-C.
Other names: short protein forms R1661P.
Identifiers: ClinVar variation 2417048 (VCV002417048.6), dbSNP rs374158562, ClinGen allele CA350866817.

ClinVar aggregate classification (germline): Likely pathogenic (1 of 4 stars; one submission).

gnomAD v4.1: 1 of 1,613,878 alleles (0.000062%); highest among the groups gnomAD compares: Non-Finnish European, 0.000085%; no homozygotes.

Submission:

Labcorp Genetics (formerly Invitae), Labcorp
Classification: Likely pathogenic. Last evaluated: 2023-06-03. Review status: criteria provided, single submitter. Criteria: Invitae Variant Classification Sherloc (09022015). Collection method: clinical testing. Allele origin: germline.
Comment: In summary, the currently available evidence indicates that the variant is pathogenic, but additional data are needed to prove that conclusively. Therefore, this variant has been classified as Likely Pathogenic. This variant disrupts the p.Arg1661 amino acid residue in COL4A3. Other variant(s) that disrupt this residue have been determined to be pathogenic (PMID: 11134255, 24052634, 26809805; Invitae). This suggests that this residue is clinically significant, and that variants that disrupt this residue are likely to be disease-causing. Advanced modeling of protein sequence and biophysical properties (such as structural, functional, and spatial information, amino acid conservation, physicochemical variation, residue mobility, and thermodynamic stability) performed at Invitae indicates that this missense variant is expected to disrupt COL4A3 protein function. ClinVar contains an entry for this variant (Variation ID: 2417048). This variant has not been reported in the literature in individuals affected with COL4A3-related conditions. This variant is not present in population databases (gnomAD no frequency). This sequence change replaces arginine, which is basic and polar, with proline, which is neutral and non-polar, at codon 1661 of the COL4A3 protein (p.Arg1661Pro).

Literature cited by the submitters: PubMed 11134255; PubMed 24052634; PubMed 26809805.